The following is an entry in ClinVar:

ClinVar aggregate classification (germline): Pathogenic/Likely pathogenic. Review status: criteria provided, multiple submitters, no conflicts (2 of 4 stars). 2 submissions from 2 submitters: Pathogenic (1); Likely pathogenic (1). Last evaluated 2024-05-14.

Conditions:
Thyroid dyshormonogenesis 6 (TDH6). Also called: HYPOTHYROIDISM, CONGENITAL, DUE TO DYSHORMONOGENESIS, 6; THYROID HORMONOGENESIS, GENETIC DEFECT IN, 6; Genetic transient congenital hypothyroidism. Identifiers: Orphanet 226316, Orphanet 95716, MedGen C1846632, MONDO:0011792, OMIM 607200.

Allele frequency attached by ClinVar (database versions not stated): gnomAD exomes below 0.00001.
gnomAD v4.1: 1 of 1,614,202 alleles (0.000062%); highest among the groups gnomAD compares: Admixed American, 0.0017%; no homozygotes.

Submissions (2):

Fulgent Genetics
Classification: Likely pathogenic for Thyroid dyshormonogenesis 6. Last evaluated: 2024-05-14. Review status: criteria provided, single submitter. Criteria: ACMG Guidelines, 2015. Collection method: clinical testing. Allele origin: germline.

Labcorp Genetics (formerly Invitae), Labcorp
Classification: Pathogenic. Last evaluated: 2023-05-12. Review status: criteria provided, single submitter. Criteria: Invitae Variant Classification Sherloc (09022015). Collection method: clinical testing. Allele origin: germline.
Comment: For these reasons, this variant has been classified as Pathogenic. This variant has not been reported in the literature in individuals affected with DUOX2-related conditions. This variant is present in population databases (no rsID available, gnomAD 0.003%). This sequence change creates a premature translational stop signal (p.Gln1029*) in the DUOX2 gene. It is expected to result in an absent or disrupted protein product. Loss-of-function variants in DUOX2 are known to be pathogenic (PMID: 12110737, 18765513, 21565790, 24423310, 24735383).

Literature cited by the submitters: PubMed 12110737 (cited by Labcorp Genetics (formerly Invitae), Labcorp); PubMed 18765513 (cited by Labcorp Genetics (formerly Invitae), Labcorp); PubMed 21565790 (cited by Labcorp Genetics (formerly Invitae), Labcorp); PubMed 24423310 (cited by Labcorp Genetics (formerly Invitae), Labcorp); PubMed 24735383 (cited by Labcorp Genetics (formerly Invitae), Labcorp).

NM_001363711.2(DUOX2):c.3085C>T (p.Gln1029Ter)

Gene: DUOX2 (dual oxidase 2; minus strand). Cytogenetic location: 15q21.1.
Variant type: single nucleotide variant.
Coding change: c.3085C>T on transcript NM_001363711.2 (MANE Select); coding-DNA position 3085, C replaced by T.
Protein change: p.Gln1029Ter; replaces glutamine 1029 with a stop codon.
Molecular consequence: nonsense.
Genome position (GRCh38, 1-based): chr15:45,100,149, G>A on the plus strand (C>T on the coding strand, the complement: DUOX2 is on the minus strand). VCF-style: chr15-45100149-G-A. GRCh37 (hg19) VCF-style: chr15-45392347-G-A.
Other names: c.3085C>T, p.Gln1029Ter (NM_014080.5); c.3085C>T (NM_014080.4); short protein forms Q1029*.
Identifiers: ClinVar variation 2817893 (VCV002817893.4), dbSNP rs1456557225, ClinGen allele CA392263788.